The following is an entry in ClinVar:

NM_145038.5(DRC1):c.2140C>A (p.Leu714Ile)

Gene: DRC1 (dynein regulatory complex subunit 1; plus strand). Cytogenetic location: 2p23.3.
Variant type: single nucleotide variant.
Coding change: c.2140C>A on transcript NM_145038.5 (MANE Select); coding-DNA position 2140, C replaced by A.
Protein change: p.Leu714Ile; replaces leucine 714 with isoleucine.
Molecular consequence: missense variant.
Genome position (GRCh38, 1-based): chr2:26,455,207, C>A. VCF-style: chr2-26455207-C-A. GRCh37 (hg19) VCF-style: chr2-26678075-C-A.
Other names: short protein forms L714I.
Identifiers: ClinVar variation 665855 (VCV000665855.1), dbSNP rs1572389551, ClinGen allele CA346123265.

ClinVar aggregate classification (germline): Uncertain significance (1 of 4 stars; one submission).

Conditions:
Primary ciliary dyskinesia. Also called: Ciliary dyskinesia. Identifiers: Orphanet 244, MedGen C0008780, MONDO:0016575, HP:0012265.

Allele frequency attached by ClinVar (database versions not stated): TOPMed below 0.00001.

Submission:

Labcorp Genetics (formerly Invitae), Labcorp
Classification: Uncertain significance for Primary ciliary dyskinesia. Last evaluated: 2018-10-31. Review status: criteria provided, single submitter. Criteria: Invitae Variant Classification Sherloc (09022015). Collection method: clinical testing. Allele origin: germline.
Comment: This sequence change replaces leucine with isoleucine at codon 714 of the DRC1 protein (p.Leu714Ile). The leucine residue is highly conserved and there is a small physicochemical difference between leucine and isoleucine. This variant is not present in population databases (ExAC no frequency). This variant has not been reported in the literature in individuals with DRC1-related disease. Algorithms developed to predict the effect of missense changes on protein structure and function are either unavailable or do not agree on the potential impact of this missense change (SIFT: "Deleterious"; PolyPhen-2: "Probably Damaging"; Align-GVGD: "Class C0"). In summary, the available evidence is currently insufficient to determine the role of this variant in disease. Therefore, it has been classified as a Variant of Uncertain Significance.